The following is an entry in ClinVar:

Conditions:
Long QT syndrome 5 (LQT5). Identifiers: Orphanet 101016, Orphanet 768, MedGen C1867904, MONDO:0013372, OMIM 613695.

Submission:

Roden Lab, Vanderbilt University Medical Center
No classification provided (evidence only). Condition: Long QT syndrome 5. Review status: no classification provided. Collection method: in vitro. Allele origin: not applicable. Functional consequence: Effect on ion channel function.
ClinVar note: "not provided" was previously submitted as the classification for the variant. However, the classification appeared to be based only on an observation of functional data so it was converted to no classification on 2025-07-30.

NM_000219.6(KCNE1):c.86G>T (p.Gly29Val)

Gene: KCNE1 (potassium voltage-gated channel subfamily E regulatory subunit 1; minus strand). Cytogenetic location: 21q22.12.
Variant type: single nucleotide variant.
Coding change: c.86G>T on transcript NM_000219.6 (MANE Select); coding-DNA position 86, G replaced by T.
Protein change: p.Gly29Val; replaces glycine 29 with valine.
Molecular consequence: missense variant.
Genome position (GRCh38, 1-based): chr21:34,449,549, C>A on the plus strand (G>T on the coding strand, the complement: KCNE1 is on the minus strand). VCF-style: chr21-34449549-C-A. GRCh37 (hg19) VCF-style: chr21-35821847-C-A.
Other names: c.86G>T, p.Gly29Val (NM_001127668.4, NM_001127669.4, NM_001127670.4 and 4 more transcripts); short protein forms G29V.
Identifiers: ClinVar variation 3374009 (VCV003374009.2).
Genomic context (GRCh38, chr21:34,449,549, plus strand): 5'-ATGAGGACGTAGAGGGCCTCCAGCTTGCCGTCACTGCTGCGGGGGGACCTGCGGGCCAGG[C>A]CCGACATGTTGCCACCCTGCTGAACTGTCTCCTGCCACAGCTTGGTCAGAAAGGGCGTCA-3'
Protein context (NP_000210.2, residues 19-39): ETVQQGGNMS[Gly29Val]LARRSPRSSD